The following is an entry in ClinVar:

NM_000321.3(RB1):c.1127+5G>A

Gene: RB1 (RB transcriptional corepressor 1; plus strand). Cytogenetic location: 13q14.2.
Variant type: single nucleotide variant.
Coding change: c.1127+5G>A on transcript NM_000321.3 (MANE Select); 5 bases into the intron after coding-DNA position 1127, G replaced by A.
Molecular consequence: intron variant.
Genome position (GRCh38, 1-based): chr13:48,368,609, G>A. VCF-style: chr13-48368609-G-A. GRCh37 (hg19) VCF-style: chr13-48942745-G-A.
Other names: c.1127+5G>A (NM_001407165.1, NM_001407166.1).
Identifiers: ClinVar variation 2710094 (VCV002710094.4), dbSNP rs2138123549, ClinGen allele CA2697551830.

ClinVar aggregate classification (germline): Uncertain significance. Review status: criteria provided, multiple submitters, no conflicts (2 of 4 stars). 2 submissions from 2 submitters: Uncertain significance (2). Last evaluated 2025-10-04.

Conditions:
Retinoblastoma (RB1). Also called: RETINOBLASTOMA, SOMATIC. Identifiers: Orphanet 790, MedGen C0035335, MeSH D012175, MONDO:0008380, OMIM 180200, HP:0009919. Disease mechanism: loss of function. Inheritance: Both sporadic and heritable forms are tested..

Submissions (2):

GeneDx
Classification: Uncertain significance. Last evaluated: 2025-10-04. Review status: criteria provided, single submitter. Criteria: GeneDx Variant Classification Process June 2021. Collection method: clinical testing. Allele origin: germline. Affected: yes.
Comment: Not observed at significant frequency in large population cohorts (gnomAD); In silico analysis supports a deleterious effect on splicing; Has not been previously published as pathogenic or benign to our knowledge

Labcorp Genetics (formerly Invitae), Labcorp
Classification: Uncertain significance for Retinoblastoma. Last evaluated: 2024-02-19. Review status: criteria provided, single submitter. Criteria: Invitae Variant Classification Sherloc (09022015). Collection method: clinical testing. Allele origin: germline.
Comment: This sequence change falls in intron 11 of the RB1 gene. It does not directly change the encoded amino acid sequence of the RB1 protein. It affects a nucleotide within the consensus splice site. This variant is not present in population databases (gnomAD no frequency). This variant has not been reported in the literature in individuals affected with RB1-related conditions. Variants that disrupt the consensus splice site are a relatively common cause of aberrant splicing (PMID: 17576681, 9536098). Studies have shown that this variant is associated with inconclusive levels of altered splicing (Invitae). In summary, the available evidence is currently insufficient to determine the role of this variant in disease. Therefore, it has been classified as a Variant of Uncertain Significance.

Literature cited by the submitters: PubMed 17576681 (cited by Labcorp Genetics (formerly Invitae), Labcorp); PubMed 9536098 (cited by Labcorp Genetics (formerly Invitae), Labcorp).